The following is an entry in ClinVar:

ClinVar aggregate classification (germline): Pathogenic (0 of 4 stars; one submission).

Conditions:
Chédiak-Higashi syndrome (CHS). Also called: Chediak-Higashi Syndrome. Identifiers: Orphanet 167, MedGen C0007965, MONDO:0008963, OMIM 214500.

Submission:

Laboratoire de Génome Humain et Maladies Multifactorielles, Monastir Universite
Classification: Pathogenic for Chédiak-Higashi syndrome. Last evaluated: 2017-09-05. Review status: no assertion criteria provided. Collection method: clinical testing. Allele origin: germline. Inheritance: Autosomal recessive inheritance. Affected: yes. Observed: 1 homozygote.
Comment: Genetic analysis revealed a novel homozygous deletion NM_000081.3:c.10269_10275del in the LYST gene, leading to a frameshift mutation and premature termination of the protein. Bioinformatic analysis predicted that this mutation would disrupt the BEACH domain, critical for lysosomal function, resulting in the enlarged, dysfunctional lysosomes characteristic of CHS.

NM_000081.4(LYST):c.10269_10275del (p.Gly3424fs)

Gene: LYST (lysosomal trafficking regulator; minus strand). Cytogenetic location: 1q42.3.
Variant type: Deletion.
Coding change: c.10269_10275del on transcript NM_000081.4 (MANE Select); coding-DNA positions 10269 to 10275, 7 bases deleted (TGGAGCC; older notation c.10269_10275delTGGAGCC).
Protein change: p.Gly3424fs; shifts the reading frame from glycine 3424.
Molecular consequence: frameshift variant.
Genome position (GRCh38, 1-based): chr1:235,702,846-235,702,852, GGCTCCA deleted on the plus strand (TGGAGCC on the coding strand, the reverse complement: LYST is on the minus strand); deleting any 7 consecutive bases within chr1:235,702,846-235,702,854 gives the same sequence; the c. name uses the placement nearest the transcript's 3' end. VCF-style (leftmost placement, unchanged base first): chr1-235702845-TGGCTCCA-T. GRCh37 (hg19) VCF-style: chr1-235866145-TGGCTCCA-T.
Other names: c.10267_10273delCCTGGAG, p.Gly3424Serfs (NM_000081.3); c.10269_10275del, p.Gly3424fs (NM_001301365.1); short protein forms G3424fs.
Identifiers: ClinVar variation 3358863 (VCV003358863.2).